The following is an entry in ClinVar:

NM_004408.4(DNM1):c.729_764del (p.Asp243_Ala254del)

Gene: DNM1 (dynamin 1; plus strand). Cytogenetic location: 9q34.11.
Variant type: Deletion.
Coding change: c.729_764del on transcript NM_004408.4 (MANE Select); coding-DNA positions 729 to 764, 36 bases deleted.
Protein change: p.Asp243_Ala254del.
Molecular consequence: inframe deletion.
Genome position (GRCh38, 1-based): chr9:128,220,221-128,220,256, 36 bases deleted; deleting any 36 consecutive bases within chr9:128,220,218-128,220,256 gives the same sequence; the c. name uses the placement nearest the transcript's 3' end. GRCh37 (hg19): chr9:130,982,500-130,982,535.
Other names: c.729_764del, p.Asp243_Ala254del (NM_001005336.3, NM_001288737.2, NM_001288738.2 and 2 more transcripts).
Identifiers: ClinVar variation 4723738 (VCV004723738.1).

ClinVar aggregate classification (germline): Uncertain significance (1 of 4 stars; one submission).

Conditions:
Developmental and epileptic encephalopathy, 31A. Also called: Epileptic encephalopathy, early infantile, 31; Developmental and epileptic encephalopathy, 31. Identifiers: Orphanet 2382, MedGen C4225357, MONDO:0014598, OMIM 616346.

Submission:

Labcorp Genetics (formerly Invitae), Labcorp
Classification: Uncertain significance for Developmental and epileptic encephalopathy, 31A. Last evaluated: 2025-07-29. Review status: criteria provided, single submitter. Criteria: Invitae Variant Classification Sherloc (09022015). Collection method: clinical testing. Allele origin: germline.
Comment: This variant, c.729_764del, results in the deletion of 12 amino acid(s) of the DNM1 protein (p.Asp243_Ala254del), but otherwise preserves the integrity of the reading frame. This variant is not present in population databases (gnomAD no frequency). This variant has not been reported in the literature in individuals affected with DNM1-related conditions. Experimental studies and prediction algorithms are not available or were not evaluated, and the functional significance of this variant is currently unknown. In summary, the available evidence is currently insufficient to determine the role of this variant in disease. Therefore, it has been classified as a Variant of Uncertain Significance.